The following is an entry in ClinVar:

NM_020843.4(SCAPER):c.3316G>A (p.Val1106Met)

Gene: SCAPER (S-phase cyclin A associated protein in the ER; minus strand). Cytogenetic location: 15q24.3.
Variant type: single nucleotide variant.
Coding change: c.3316G>A on transcript NM_020843.4 (MANE Select); coding-DNA position 3316, G replaced by A.
Protein change: p.Val1106Met; replaces valine 1106 with methionine.
Molecular consequence: missense variant. On other transcripts: non-coding transcript variant (1).
Genome position (GRCh38, 1-based): chr15:76,404,675, C>T on the plus strand (G>A on the coding strand, the complement: SCAPER is on the minus strand). VCF-style: chr15-76404675-C-T. GRCh37 (hg19) VCF-style: chr15-76697016-C-T.
Other names: c.2578G>A, p.Val860Met (NM_001145923.2); c.3334G>A, p.Val1112Met (NM_001353009.2); c.2914G>A, p.Val972Met (NM_001353010.2, NM_001353012.2); c.2932G>A, p.Val978Met (NM_001353011.2); c.3334G>A (NM_001353009.1); short protein forms V1106M, V1112M, V860M, V972M, V978M.
Identifiers: ClinVar variation 1314904 (VCV001314904.4), dbSNP rs780866437, ClinGen allele CA7674458.

ClinVar aggregate classification (germline): Uncertain significance. Review status: criteria provided, multiple submitters, no conflicts (2 of 4 stars). 2 submissions from 2 submitters: Uncertain significance (2). Last evaluated 2026-03-18.

Conditions:
SCAPER-related disorder. Also called: SCAPER-related condition.

Allele frequency attached by ClinVar (database versions not stated): gnomAD 0.00001 and 0.00002; gnomAD exomes 0.00001; ExAC 0.00002; TOPMed 0.00002; 1000 Genomes Project 30x 0.00031.
gnomAD v4.1: 19 of 1,610,028 alleles (0.0012%); highest among the groups gnomAD compares: Middle Eastern, 0.017%; no homozygotes.

Submissions (2):

PreventionGenetics, part of Exact Sciences
Classification: Uncertain significance for SCAPER-related condition. Last evaluated: 2026-03-18. Review status: criteria provided, single submitter. Criteria: ACMG Guidelines, 2015. Collection method: clinical testing. Allele origin: germline.
Comment: The SCAPER c.3334G>A variant is predicted to result in the amino acid substitution p.Val1112Met. To our knowledge, this variant has not been reported in the literature. This variant is reported in 0.010% of alleles in individuals of Ashkenazi Jewish descent in gnomAD. At this time, the clinical significance of this variant is uncertain due to the absence of conclusive functional and genetic evidence.

GeneDx
Classification: Uncertain significance. Last evaluated: 2022-01-21. Review status: criteria provided, single submitter. Criteria: GeneDx Variant Classification Process June 2021. Collection method: clinical testing. Allele origin: germline. Affected: yes.
Comment: In silico analysis supports that this missense variant does not alter protein structure/function; Has not been previously published as pathogenic or benign to our knowledge